The following is an entry in ClinVar:

NM_022124.6(CDH23):c.8497C>T (p.Arg2833Cys)

Gene: CDH23 (cadherin related 23; plus strand). Cytogenetic location: 10q22.1.
Variant type: single nucleotide variant.
Coding change: c.8497C>T on transcript NM_022124.6 (MANE Select); coding-DNA position 8497, C replaced by T.
Protein change: p.Arg2833Cys; replaces arginine 2833 with cysteine.
Molecular consequence: missense variant.
Genome position (GRCh38, 1-based): chr10:71,807,704, C>T. VCF-style: chr10-71807704-C-T. GRCh37 (hg19) VCF-style: chr10-73567461-C-T.
Other names: c.1777C>T, p.Arg593Cys (NM_001171933.1, NM_001171934.1); short protein forms R2833C, R593C.
Identifiers: ClinVar variation 866653 (VCV000866653.8), dbSNP rs760130862, ClinGen allele CA5546664.

ClinVar aggregate classification (germline): Uncertain significance. Review status: criteria provided, multiple submitters, no conflicts (2 of 4 stars). 5 submissions from 5 submitters: Uncertain significance (4). 1 of the submissions does not count toward it. Last evaluated 2026-08-06.

Conditions:
Usher syndrome type 1 (USH1). Also called: RETINITIS PIGMENTOSA AND CONGENITAL DEAFNESS. Identifiers: Orphanet 231169, Orphanet 886, MedGen C1568247, MONDO:0010168, OMIM 276900.
Inborn genetic diseases. Identifiers: MedGen C0950123, MeSH D030342.
Autosomal recessive nonsyndromic hearing loss 12. Also called: DEAFNESS, AUTOSOMAL RECESSIVE 12. Identifiers: Orphanet 90636, MedGen C1832394, MONDO:0011067, OMIM 601386.

Allele frequency attached by ClinVar (database versions not stated): TOPMed 0.00001; gnomAD 0.00003.
gnomAD v4.1: 30 of 1,612,318 alleles (0.0019%); highest among the groups gnomAD compares: Middle Eastern, 0.016%; no homozygotes.

Submissions (5):

OLLIN Analises Genomicas, OLLIN
Classification: Uncertain significance for Autosomal recessive nonsyndromic hearing loss 12. Last evaluated: 2026-08-06. Review status: criteria provided, single submitter. Criteria: ACMG Guidelines 2015 PMID 25741868. Collection method: clinical testing. Allele origin: germline. Inheritance: Autosomal recessive inheritance.
Comment: This missense variant, located in exon 59 (of 70), has been reported in ClinVar (accession VCV000866653.6) and in gnomAD with an allele frequency of 0.0019%. However, to our knowledge, it has not been reported in the scientific literature. In silico analysis is inconclusive regarding the impact of this variant. According to the currently available evidence, this variant has been classified as uncertain significance (PM2_P).

Ambry Genetics
Classification: Uncertain significance for Inborn genetic diseases. Last evaluated: 2024-05-30. Review status: criteria provided, single submitter. Criteria: Ambry Variant Classification Scheme 2023. Collection method: clinical testing. Allele origin: germline.

Blueprint Genetics
Classification: Uncertain significance. Last evaluated: 2022-08-11. Review status: criteria provided, single submitter. Criteria: ACMG Guidelines, 2015. Collection method: clinical testing. Allele origin: germline.

Labcorp Genetics (formerly Invitae), Labcorp
Classification: Uncertain significance. Last evaluated: 2022-07-05. Review status: criteria provided, single submitter. Criteria: Invitae Variant Classification Sherloc (09022015). Collection method: clinical testing. Allele origin: germline.
Comment: This sequence change replaces arginine, which is basic and polar, with cysteine, which is neutral and slightly polar, at codon 2833 of the CDH23 protein (p.Arg2833Cys). The frequency data for this variant in the population databases is considered unreliable, as metrics indicate poor data quality at this position in the gnomAD database. This variant has not been reported in the literature in individuals affected with CDH23-related conditions. ClinVar contains an entry for this variant (Variation ID: 866653). Algorithms developed to predict the effect of missense changes on protein structure and function are either unavailable or do not agree on the potential impact of this missense change (SIFT: "Deleterious"; PolyPhen-2: "Not Available"; Align-GVGD: "Class C0"). Algorithms developed to predict the effect of sequence changes on RNA splicing suggest that this variant may disrupt the consensus splice site. In summary, the available evidence is currently insufficient to determine the role of this variant in disease. Therefore, it has been classified as a Variant of Uncertain Significance.

Natera, Inc.
Classification: Uncertain significance for Usher syndrome type 1. Last evaluated: 2020-06-23. Review status: no assertion criteria provided. Collection method: clinical testing. Allele origin: germline. Not counted in ClinVar's aggregate classification.